The following is an entry in ClinVar:

ClinVar aggregate classification (germline): Uncertain significance (1 of 4 stars; one submission).

Conditions:
Mucolipidosis type IV (ML4). Also called: ML IV. Identifiers: Orphanet 578, MedGen C0238286, MONDO:0009653, OMIM 252650.

gnomAD v4.1: 13 of 1,613,460 alleles (0.00081%); highest among the groups gnomAD compares: South Asian, 0.0033%; no homozygotes.

Submission:

Labcorp Genetics (formerly Invitae), Labcorp
Classification: Uncertain significance for Mucolipidosis type IV. Last evaluated: 2025-10-11. Review status: criteria provided, single submitter. Criteria: Invitae Variant Classification Sherloc (09022015). Collection method: clinical testing. Allele origin: germline.
Comment: This sequence change replaces arginine, which is basic and polar, with tryptophan, which is neutral and slightly polar, at codon 14 of the MCOLN1 protein (p.Arg14Trp). This variant is present in population databases (rs775040894, gnomAD 0.003%). This variant has not been reported in the literature in individuals affected with MCOLN1-related conditions. Invitae Evidence Modeling of protein sequence and biophysical properties (such as structural, functional, and spatial information, amino acid conservation, physicochemical variation, residue mobility, and thermodynamic stability) indicates that this missense variant is not expected to disrupt MCOLN1 protein function with a negative predictive value of 95%. In summary, the available evidence is currently insufficient to determine the role of this variant in disease. Therefore, it has been classified as a Variant of Uncertain Significance.

NM_020533.3(MCOLN1):c.40C>T (p.Arg14Trp)

Gene: MCOLN1 (mucolipin TRP cation channel 1; plus strand). Cytogenetic location: 19p13.2.
Variant type: single nucleotide variant.
Coding change: c.40C>T on transcript NM_020533.3 (MANE Select); coding-DNA position 40, C replaced by T.
Protein change: p.Arg14Trp; replaces arginine 14 with tryptophan.
Molecular consequence: missense variant.
Genome position (GRCh38, 1-based): chr19:7,524,969, C>T. VCF-style: chr19-7524969-C-T. GRCh37 (hg19) VCF-style: chr19-7589855-C-T.
Other names: short protein forms R14W.
Identifiers: ClinVar variation 4744542 (VCV004744542.1).